The following is an entry in ClinVar:

ClinVar aggregate classification (germline): Uncertain significance (1 of 4 stars; one submission).

Conditions:
Inborn genetic diseases. Identifiers: MedGen C0950123, MeSH D030342.

Submission:

Ambry Genetics
Classification: Uncertain significance for Inborn genetic diseases. Last evaluated: 2025-09-26. Review status: criteria provided, single submitter. Criteria: Ambry Variant Classification Scheme 2023. Collection method: clinical testing. Allele origin: germline.
Comment: The p.D142Y variant (also known as c.424G>T), located in coding exon 3 of the MBD4 gene, results from a G to T substitution at nucleotide position 424. The aspartic acid at codon 142 is replaced by tyrosine, an amino acid with highly dissimilar properties. This amino acid position is conserved. In addition, this alteration is predicted to be deleterious by in silico analysis. Based on the available evidence, the clinical significance of this variant remains unclear.

NM_001276270.2(MBD4):c.424G>T (p.Asp142Tyr)

Gene: MBD4 (methyl-CpG binding domain 4, DNA glycosylase; minus strand). Cytogenetic location: 3q21.3.
Variant type: single nucleotide variant.
Coding change: c.424G>T on transcript NM_001276270.2 (MANE Select); coding-DNA position 424, G replaced by T.
Protein change: p.Asp142Tyr; replaces aspartic acid 142 with tyrosine.
Molecular consequence: missense variant. On other transcripts: intron variant (1).
Genome position (GRCh38, 1-based): chr3:129,437,220, C>A on the plus strand (G>T on the coding strand, the complement: MBD4 is on the minus strand). VCF-style: chr3-129437220-C-A. GRCh37 (hg19) VCF-style: chr3-129156063-C-A.
Other names: c.424G>T, p.Asp142Tyr (NM_001276271.2, NM_001276272.2, NM_003925.3); c.247+588G>T (NM_001276273.2); short protein forms D142Y.
Identifiers: ClinVar variation 4624382 (VCV004624382.1).